The following is an entry in ClinVar:

ClinVar aggregate classification (germline): Uncertain significance (1 of 4 stars; one submission).

Conditions:
Hereditary spastic paraplegia 3A (SPG3A). Also called: Spastic paraplegia 3A, autosomal dominant; SPASTIC PARAPLEGIA 3, AUTOSOMAL DOMINANT; FAMILIAL SPASTIC PARAPLEGIA, AUTOSOMAL DOMINANT, 1; SPG3; STRUMPELL DISEASE; Spastic Paraplegia 3A. Identifiers: Orphanet 100984, MedGen C2931355, MONDO:0008437, OMIM 182600.

Submission:

Labcorp Genetics (formerly Invitae), Labcorp
Classification: Uncertain significance for Hereditary spastic paraplegia 3A. Last evaluated: 2023-11-01. Review status: criteria provided, single submitter. Criteria: Invitae Variant Classification Sherloc (09022015). Collection method: clinical testing. Allele origin: germline.
Comment: This sequence change replaces glutamic acid, which is acidic and polar, with glycine, which is neutral and non-polar, at codon 237 of the ATL1 protein (p.Glu237Gly). This variant is not present in population databases (gnomAD no frequency). This variant has not been reported in the literature in individuals affected with ATL1-related conditions. ClinVar contains an entry for this variant (Variation ID: 2062016). Advanced modeling of protein sequence and biophysical properties (such as structural, functional, and spatial information, amino acid conservation, physicochemical variation, residue mobility, and thermodynamic stability) performed at Invitae indicates that this missense variant is not expected to disrupt ATL1 protein function with a negative predictive value of 80%. In summary, the available evidence is currently insufficient to determine the role of this variant in disease. Therefore, it has been classified as a Variant of Uncertain Significance.

NM_015915.5(ATL1):c.710A>G (p.Glu237Gly)

Gene: ATL1 (atlastin GTPase 1; plus strand). Cytogenetic location: 14q22.1.
Variant type: single nucleotide variant.
Coding change: c.710A>G on transcript NM_015915.5 (MANE Select); coding-DNA position 710, A replaced by G.
Protein change: p.Glu237Gly; replaces glutamic acid 237 with glycine.
Molecular consequence: missense variant.
Genome position (GRCh38, 1-based): chr14:50,613,338, A>G. VCF-style: chr14-50613338-A-G. GRCh37 (hg19) VCF-style: chr14-51080056-A-G.
Other names: c.710A>G, p.Glu237Gly (NM_001127713.1, NM_181598.4); short protein forms E237G.
Identifiers: ClinVar variation 2062016 (VCV002062016.4), dbSNP rs1205953547, ClinGen allele CA389671126.